The following is an entry in ClinVar:

ClinVar aggregate classification (germline): Benign/Likely benign. Review status: criteria provided, multiple submitters, no conflicts (2 of 4 stars). 5 submissions from 5 submitters: Benign (1); Likely benign (4). Last evaluated 2024-06-17.

Conditions:
Marfan syndrome (MFS). Also called: Marfan syndrome, classic; Marfan syndrome type 1; Marfan's syndrome; FBN1-Related Marfan Syndrome; MARFAN SYNDROME, TYPE I. Identifiers: Orphanet 284963, Orphanet 558, MedGen C0024796, MONDO:0007947, OMIM 154700.
Familial thoracic aortic aneurysm and aortic dissection (TAAD). Also called: Thoracic aortic aneurysms and dissections. Identifiers: Orphanet 91387, MedGen C4707243, MONDO:0019625.

Allele frequency attached by ClinVar (database versions not stated): gnomAD exomes 0.00001 and below 0.00001; gnomAD 0.00003; ESP Exome Variant Server 0.00008; ExAC 0.00002; TOPMed 0.00006.
gnomAD v4.1: 10 of 1,613,968 alleles (0.00062%); highest among the groups gnomAD compares: African/African-American, 0.013%; no homozygotes.

Submissions (5):

Women's Health and Genetics/Laboratory Corporation of America, LabCorp
Classification: Likely benign. Last evaluated: 2024-06-17. Review status: criteria provided, single submitter. Criteria: LabCorp Variant Classification Summary - May 2015. Collection method: clinical testing. Allele origin: germline.

Labcorp Genetics (formerly Invitae), Labcorp
Classification: Benign for Marfan syndrome; Familial thoracic aortic aneurysm and aortic dissection. Last evaluated: 2024-05-25. Review status: criteria provided, single submitter. Criteria: Invitae Variant Classification Sherloc (09022015). Collection method: clinical testing. Allele origin: germline.

All of Us Research Program, National Institutes of Health
Classification: Likely benign for Marfan syndrome. Last evaluated: 2023-08-28. Review status: criteria provided, single submitter. Criteria: ACMG Guidelines, 2015. Collection method: clinical testing. Allele origin: germline. Inheritance: Autosomal dominant inheritance. Observed: 1 variant allele, 1 heterozygote.
Comment: This study involves interpretation of variants in research participants for the purpose of population health screening. Participant phenotype was not available at the time of variant classification. Additional details can be found in publication PMID: 35346344, PMCID: PMC8962531

Ambry Genetics
Classification: Likely benign for Familial thoracic aortic aneurysm and aortic dissection. Last evaluated: 2023-01-22. Review status: criteria provided, single submitter. Criteria: Ambry Variant Classification Scheme 2023. Collection method: clinical testing. Allele origin: germline.

Color Diagnostics, LLC DBA Color Health
Classification: Likely benign for Familial thoracic aortic aneurysm and aortic dissection. Last evaluated: 2019-04-28. Review status: criteria provided, single submitter. Criteria: ACMG Guidelines, 2015. Collection method: clinical testing. Allele origin: germline.

NM_000138.5(FBN1):c.6903C>T (p.Ile2301=)

Gene: FBN1 (fibrillin 1; minus strand). Cytogenetic location: 15q21.1.
Variant type: single nucleotide variant.
Coding change: c.6903C>T on transcript NM_000138.5 (MANE Select); coding-DNA position 6903, C replaced by T.
Protein change: p.Ile2301=; no amino-acid change (isoleucine 2301 retained).
Molecular consequence: synonymous variant.
Genome position (GRCh38, 1-based): chr15:48,428,440, G>A on the plus strand (C>T on the coding strand, the complement: FBN1 is on the minus strand). VCF-style: chr15-48428440-G-A. GRCh37 (hg19) VCF-style: chr15-48720637-G-A.
Identifiers: ClinVar variation 920216 (VCV000920216.9), dbSNP rs146930301, ClinGen allele CA057586.